The following is an entry in ClinVar:

ClinVar aggregate classification (germline): Uncertain significance (1 of 4 stars; one submission).

Submission:

Labcorp Genetics (formerly Invitae), Labcorp
Classification: Uncertain significance. Last evaluated: 2022-10-25. Review status: criteria provided, single submitter. Criteria: Invitae Variant Classification Sherloc (09022015). Collection method: clinical testing. Allele origin: germline.
Comment: This sequence change affects codon 25 of the ACO2 mRNA. It is a 'silent' change, meaning that it does not change the encoded amino acid sequence of the ACO2 protein. Information on the frequency of this variant in the gnomAD database is not available, as this variant may be reported differently in the database. This variant has not been reported in the literature in individuals affected with ACO2-related conditions. Experimental studies and prediction algorithms are not available or were not evaluated, and the effect of this variant on mRNA splicing is currently unknown. In summary, the available evidence is currently insufficient to determine the role of this variant in disease. Therefore, it has been classified as a Variant of Uncertain Significance.

NM_001098.3(ACO2):c.75_76delinsTT (p.Val25_Leu26=)

Gene: ACO2 (aconitase 2; plus strand). Cytogenetic location: 22q13.2.
Variant type: Indel.
Coding change: c.75_76delinsTT on transcript NM_001098.3 (MANE Select); coding-DNA positions 75 to 76, CC replaced by TT.
Protein change: p.Val25_Leu26=.
Molecular consequence: synonymous variant.
Genome position (GRCh38, 1-based): chr22:41,499,764-41,499,765, CC replaced by TT. VCF-style: chr22-41499764-CC-TT. GRCh37 (hg19) VCF-style: chr22-41895768-CC-TT.
Identifiers: ClinVar variation 2053503 (VCV002053503.4), dbSNP rs2518210852, ClinGen allele CA2580099836.